The following is an entry in ClinVar:

ClinVar aggregate classification (germline): Likely benign (1 of 4 stars; one submission).

Allele frequency attached by ClinVar (database versions not stated): ExAC 0.00002; TOPMed 0.00002; gnomAD 0.00004; gnomAD exomes 0.00004; ESP Exome Variant Server 0.00008.
gnomAD v4.1: 58 of 1,614,012 alleles (0.0036%); highest among the groups gnomAD compares: Non-Finnish European, 0.0048%; no homozygotes.

Submission:

CeGaT Center for Human Genetics Tuebingen
Classification: Likely benign. Last evaluated: 2024-05-01. Review status: criteria provided, single submitter. Criteria: CeGaT Center For Human Genetics Tuebingen Variant Classification Criteria Version 2. Collection method: clinical testing. Allele origin: germline. Affected: yes. Observed: 1 variant allele.
Comment: ITGA8: BP4, BP7

NM_003638.3(ITGA8):c.2745A>G (p.Arg915=)

Gene: ITGA8 (integrin subunit alpha 8; minus strand). Cytogenetic location: 10p13.
Variant type: single nucleotide variant.
Coding change: c.2745A>G on transcript NM_003638.3 (MANE Select); coding-DNA position 2745, A replaced by G.
Protein change: p.Arg915=; no amino-acid change (arginine 915 retained).
Molecular consequence: synonymous variant.
Genome position (GRCh38, 1-based): chr10:15,558,095, T>C on the plus strand (A>G on the coding strand, the complement: ITGA8 is on the minus strand). VCF-style: chr10-15558095-T-C. GRCh37 (hg19) VCF-style: chr10-15600094-T-C.
Other names: c.2700A>G, p.Arg900= (NM_001291494.2).
Identifiers: ClinVar variation 3239179 (VCV003239179.19), dbSNP rs368768931.